The following is an entry in ClinVar:

NM_000368.5(TSC1):c.3199A>C (p.Met1067Leu)

Gene: TSC1 (TSC complex subunit 1; minus strand). Cytogenetic location: 9q34.13.
Variant type: single nucleotide variant.
Coding change: c.3199A>C on transcript NM_000368.5 (MANE Select); coding-DNA position 3199, A replaced by C.
Protein change: p.Met1067Leu; replaces methionine 1067 with leucine.
Molecular consequence: missense variant.
Genome position (GRCh38, 1-based): chr9:132,896,531, T>G on the plus strand (A>C on the coding strand, the complement: TSC1 is on the minus strand). VCF-style: chr9-132896531-T-G. GRCh37 (hg19) VCF-style: chr9-135771918-T-G.
Other names: c.3157A>C, p.Met1053Leu (NM_001406606.1, NM_001406607.1, NM_001406605.1); c.3154A>C, p.Met1052Leu (NM_001406608.1, NM_001406609.1); c.3046A>C, p.Met1016Leu (NM_001406610.1, NM_001162427.2); c.3043A>C, p.Met1015Leu (NM_001406611.1, NM_001406612.1); c.3001A>C, p.Met1001Leu (NM_001406613.1); c.2836A>C, p.Met946Leu (NM_001406614.1, NM_001406615.1, NM_001362177.2 and 4 more transcripts); c.3196A>C, p.Met1066Leu (NM_001162426.2, NM_001406597.1, NM_001406598.1 and 2 more transcripts); c.3199A>C, p.Met1067Leu (NM_001406592.1, NM_001406593.1, NM_001406594.1 and 2 more transcripts); and 8 more; short protein forms M1015L, M1053L, M1067L, M749L, M932L, M1016L, M716L, M750L.
Identifiers: ClinVar variation 1916905 (VCV001916905.5), dbSNP rs2131602062, ClinGen allele CA375367045.

ClinVar aggregate classification (germline): Uncertain significance (1 of 4 stars; one submission).

Conditions:
Tuberous sclerosis 1 (TSC1). Identifiers: Orphanet 805, MedGen C1854465, MONDO:0008612, OMIM 191100.

Submission:

Labcorp Genetics (formerly Invitae), Labcorp
Classification: Uncertain significance for Tuberous sclerosis 1. Last evaluated: 2022-06-19. Review status: criteria provided, single submitter. Criteria: Invitae Variant Classification Sherloc (09022015). Collection method: clinical testing. Allele origin: germline.
Comment: In summary, the available evidence is currently insufficient to determine the role of this variant in disease. Therefore, it has been classified as a Variant of Uncertain Significance. Algorithms developed to predict the effect of missense changes on protein structure and function output the following: SIFT: "Tolerated"; PolyPhen-2: "Benign"; Align-GVGD: "Class C0". The leucine amino acid residue is found in multiple mammalian species, which suggests that this missense change does not adversely affect protein function. This variant has not been reported in the literature in individuals affected with TSC1-related conditions. This variant is not present in population databases (gnomAD no frequency). This sequence change replaces methionine, which is neutral and non-polar, with leucine, which is neutral and non-polar, at codon 1067 of the TSC1 protein (p.Met1067Leu).